The following is an entry in ClinVar:

NM_032043.3(BRIP1):c.1852T>A (p.Ser618Thr)

Gene: BRIP1 (BRCA1 interacting DNA helicase 1; minus strand). Cytogenetic location: 17q23.2.
Variant type: single nucleotide variant.
Coding change: c.1852T>A on transcript NM_032043.3 (MANE Select); coding-DNA position 1852, T replaced by A.
Protein change: p.Ser618Thr; replaces serine 618 with threonine.
Molecular consequence: missense variant.
Genome position (GRCh38, 1-based): chr17:61,780,344, A>T on the plus strand (T>A on the coding strand, the complement: BRIP1 is on the minus strand). VCF-style: chr17-61780344-A-T. GRCh37 (hg19) VCF-style: chr17-59857705-A-T.
Other names: short protein forms S618T.
Identifiers: ClinVar variation 1461050 (VCV001461050.9), dbSNP rs876660191, ClinGen allele CA400480115.

ClinVar aggregate classification (germline): Uncertain significance (1 of 4 stars; one submission).

Conditions:
Familial cancer of breast. Also called: Hereditary breast cancer; BREAST CANCER, FAMILIAL; hereditary breast carcinoma. Identifiers: Orphanet 227535, MedGen C0346153, MONDO:0016419, OMIM 114480. Disease mechanism: loss of function.
Fanconi anemia complementation group J. Also called: BRIP1-Related Fanconi Anemia. Identifiers: Orphanet 84, MedGen C1836860, MONDO:0012187, OMIM 609054.

Submission:

Labcorp Genetics (formerly Invitae), Labcorp
Classification: Uncertain significance for Familial cancer of breast; Fanconi anemia complementation group J. Last evaluated: 2020-12-24. Review status: criteria provided, single submitter. Criteria: Invitae Variant Classification Sherloc (09022015). Collection method: clinical testing. Allele origin: germline.
Comment: This sequence change replaces serine with threonine at codon 618 of the BRIP1 protein (p.Ser618Thr). The serine residue is highly conserved and there is a small physicochemical difference between serine and threonine. In summary, the available evidence is currently insufficient to determine the role of this variant in disease. Therefore, it has been classified as a Variant of Uncertain Significance. Algorithms developed to predict the effect of missense changes on protein structure and function are either unavailable or do not agree on the potential impact of this missense change (SIFT: "Tolerated"; PolyPhen-2: "Probably Damaging"; Align-GVGD: "Class C0"). This variant has not been reported in the literature in individuals with BRIP1-related conditions. This variant is not present in population databases (ExAC no frequency).